The following is an entry in ClinVar:

NM_000341.4(SLC3A1):c.1129A>G (p.Arg377Gly)

Gene: SLC3A1 (solute carrier family 3 member 1; plus strand). Cytogenetic location: 2p21.
Variant type: single nucleotide variant.
Coding change: c.1129A>G on transcript NM_000341.4 (MANE Select); coding-DNA position 1129, A replaced by G.
Protein change: p.Arg377Gly; replaces arginine 377 with glycine.
Molecular consequence: missense variant.
Genome position (GRCh38, 1-based): chr2:44,301,120, A>G. VCF-style: chr2-44301120-A-G. GRCh37 (hg19) VCF-style: chr2-44528259-A-G.
Other names: short protein forms R377G.
Identifiers: ClinVar variation 3586655 (VCV003586655.2).

ClinVar aggregate classification (germline): Uncertain significance. Review status: criteria provided, multiple submitters, no conflicts (2 of 4 stars). 2 submissions from 2 submitters: Uncertain significance (2). Last evaluated 2025-09-30.

Conditions:
Cystinuria (CSNU). Also called: CYSTINURIA, TYPE I; CYSTINURIA, TYPE II; CYSTINURIA, TYPE III; Cystinuria, non-type I. Identifiers: Orphanet 214, MedGen C0010691, MONDO:0009067, OMIM 220100, HP:0003131.

gnomAD v4.1: 42 of 1,609,752 alleles (0.0026%); highest among the groups gnomAD compares: African/African-American, 0.053%; no homozygotes.

Submissions (2):

Labcorp Genetics (formerly Invitae), Labcorp
Classification: Uncertain significance for Cystinuria. Last evaluated: 2025-09-30. Review status: criteria provided, single submitter. Criteria: Invitae Variant Classification Sherloc (09022015). Collection method: clinical testing. Allele origin: germline.
Comment: This sequence change replaces arginine, which is basic and polar, with glycine, which is neutral and non-polar, at codon 377 of the SLC3A1 protein (p.Arg377Gly). This variant is present in population databases (rs368665372, gnomAD 0.05%). This variant has not been reported in the literature in individuals affected with SLC3A1-related conditions. ClinVar contains an entry for this variant (Variation ID: 3586655). Invitae Evidence Modeling of protein sequence and biophysical properties (such as structural, functional, and spatial information, amino acid conservation, physicochemical variation, residue mobility, and thermodynamic stability) has been performed for this missense variant. However, the output from this modeling did not meet the statistical confidence thresholds required to predict the impact of this variant on SLC3A1 protein function. In summary, the available evidence is currently insufficient to determine the role of this variant in disease. Therefore, it has been classified as a Variant of Uncertain Significance.

Fulgent Genetics
Classification: Uncertain significance for Cystinuria. Last evaluated: 2024-05-10. Review status: criteria provided, single submitter. Criteria: ACMG Guidelines, 2015. Collection method: clinical testing. Allele origin: germline.